The following is an entry in ClinVar:

ClinVar aggregate classification (germline): Uncertain significance. Review status: criteria provided, multiple submitters, no conflicts (2 of 4 stars). 5 submissions from 5 submitters: Uncertain significance (5). Last evaluated 2025-11-03.

Conditions:
Atypical hemolytic-uremic syndrome. Identifiers: Orphanet 2134, MedGen C2931788, MONDO:0016244.
Complement component 3 deficiency. Identifiers: Orphanet 280133, MedGen C3151071, MONDO:0013417, OMIM 613779.
C3 glomerulonephritis. Also called: Nephropathy due to CFHR5 Deficiency; C3 GLOMERULOPATHY 3. Identifiers: Orphanet 329931, MedGen C4055342, MONDO:0013892, OMIM 614809.
Age related macular degeneration 9. Identifiers: MedGen C1969651, MONDO:0012659, OMIM 611378.
Atypical hemolytic-uremic syndrome with C3 anomaly. Also called: AHUS, SUSCEPTIBILITY TO, 5. Identifiers: Orphanet 2134, MedGen C2752037, MONDO:0013043, OMIM 612925.

Allele frequency attached by ClinVar (database versions not stated): ExAC 0.00004; gnomAD exomes 0.00004 and 0.00005; TOPMed 0.00005; gnomAD 0.00007 and 0.00009; ESP Exome Variant Server 0.00008.
gnomAD v4.1: 90 of 1,613,846 alleles (0.0056%); highest among the groups gnomAD compares: African/African-American, 0.016%; no homozygotes.

Submissions (5):

Labcorp Genetics (formerly Invitae), Labcorp
Classification: Uncertain significance. Last evaluated: 2025-11-03. Review status: criteria provided, single submitter. Criteria: Invitae Variant Classification Sherloc (09022015). Collection method: clinical testing. Allele origin: germline.
Comment: This sequence change replaces arginine, which is basic and polar, with cysteine, which is neutral and slightly polar, at codon 1219 of the C3 protein (p.Arg1219Cys). This variant is present in population databases (rs373102036, gnomAD 0.02%). This missense change has been observed in individual(s) with clinical features of C3-related conditions (PMID: 37466676). ClinVar contains an entry for this variant (Variation ID: 1348619). Invitae Evidence Modeling of protein sequence and biophysical properties (such as structural, functional, and spatial information, amino acid conservation, physicochemical variation, residue mobility, and thermodynamic stability) indicates that this missense variant is expected to disrupt C3 protein function with a positive predictive value of 80%. In summary, the available evidence is currently insufficient to determine the role of this variant in disease. Therefore, it has been classified as a Variant of Uncertain Significance.

Genomenon, Inc
Classification: Uncertain significance for Complement component 3 deficiency; C3 glomerulonephritis; Atypical hemolytic-uremic syndrome. Last evaluated: 2025-09-30. Review status: criteria provided, single submitter. Criteria: Genomenon Sequence Variant Interpretation Standards. Collection method: curation. Allele origin: germline. Affected: no.
Comment: C3 p.Arg1219Cys (c.3655C>T) is a missense variant that changes the amino acid at residue 1219 from Arginine to Cysteine. This variant has been reported in the published literature (PMID:37466676). It is absent or not present at a significant frequency in gnomAD. In silico models agree that this variant is not damaging. In conclusion, we classify C3 p.Arg1219Cys (c.3655C>T) as a variant of unknown significance.

Genesolutions, Medical Genetics Institutes, Ho Chi Minh City, Vietnam
Classification: Uncertain significance for Atypical hemolytic-uremic syndrome with C3 anomaly. Last evaluated: 2025-09-24. Review status: criteria provided, single submitter. Criteria: ACMG Guidelines, 2015. Collection method: clinical testing. Allele origin: germline. Affected: yes.

Mayo Clinic Laboratories, Mayo Clinic
Classification: Uncertain significance. Last evaluated: 2024-05-03. Review status: criteria provided, single submitter. Criteria: ACMG Guidelines, 2015. Collection method: clinical testing. Allele origin: germline. Observed: 1 variant allele.
Comment: BP4

Fulgent Genetics
Classification: Uncertain significance for Age related macular degeneration 9; Atypical hemolytic-uremic syndrome with C3 anomaly; Complement component 3 deficiency. Last evaluated: 2022-04-14. Review status: criteria provided, single submitter. Criteria: ACMG Guidelines, 2015. Collection method: clinical testing. Allele origin: unknown.

Literature cited by the submitters: PubMed 37466676 (cited by 3 submitters).

NM_000064.4(C3):c.3655C>T (p.Arg1219Cys)

Gene: C3 (complement C3; minus strand). Cytogenetic location: 19p13.3.
Variant type: single nucleotide variant.
Coding change: c.3655C>T on transcript NM_000064.4 (MANE Select); coding-DNA position 3655, C replaced by T.
Protein change: p.Arg1219Cys; replaces arginine 1219 with cysteine.
Molecular consequence: missense variant.
Genome position (GRCh38, 1-based): chr19:6,686,279, G>A on the plus strand (C>T on the coding strand, the complement: C3 is on the minus strand). VCF-style: chr19-6686279-G-A. GRCh37 (hg19) VCF-style: chr19-6686290-G-A.
Other names: p.Arg1219Cys; short protein forms R1219C.
Identifiers: ClinVar variation 1348619 (VCV001348619.10), dbSNP rs373102036, ClinGen allele CA9128666.
Genomic context (GRCh38, chr19:6,686,279, plus strand): 5'-CCAAGAGGGCATAGGATGTGGCCTCCACGTTGTAGAGCTGCTTACCAGGGTCCTCCCAGC[G>A]GTTCTTATCTGCAAAGAAGATACCCCATCCCCAGTGCTCACTGCTCTGTCCAGCCTGGGG-3'
Protein context (NP_000055.2, residues 1209-1229): KFLTTAKDKN[Arg1219Cys]WEDPGKQLYN